The following is an entry in ClinVar:

NM_001211.6(BUB1B):c.404C>A (p.Pro135His)

Gene: BUB1B (BUB1 mitotic checkpoint serine/threonine kinase B; plus strand). Cytogenetic location: 15q15.1.
Variant type: single nucleotide variant.
Coding change: c.404C>A on transcript NM_001211.6 (MANE Select); coding-DNA position 404, C replaced by A.
Protein change: p.Pro135His; replaces proline 135 with histidine.
Molecular consequence: missense variant.
Genome position (GRCh38, 1-based): chr15:40,176,496, C>A. VCF-style: chr15-40176496-C-A. GRCh37 (hg19) VCF-style: chr15-40468697-C-A.
Other names: short protein forms P135H.
Identifiers: ClinVar variation 1737346 (VCV001737346.4), dbSNP rs2037225062, ClinGen allele CA391681076.

ClinVar aggregate classification (germline): Uncertain significance. Review status: criteria provided, multiple submitters, no conflicts (2 of 4 stars). 2 submissions from 2 submitters: Uncertain significance (2). Last evaluated 2024-04-08.

Conditions:
Mosaic variegated aneuploidy syndrome 1 (MVA1). Also called: Warburton-Anyane-Yeboa syndrome. Identifiers: Orphanet 1052, MedGen C1850343, MONDO:0009759, OMIM 257300.
Inborn genetic diseases. Identifiers: MedGen C0950123, MeSH D030342.

Allele frequency attached by ClinVar (database versions not stated): gnomAD exomes below 0.00001.
gnomAD v4.1: 3 of 1,614,106 alleles (0.00019%); highest among the groups gnomAD compares: Non-Finnish European, 0.00025%; no homozygotes.

Submissions (2):

Labcorp Genetics (formerly Invitae), Labcorp
Classification: Uncertain significance for Mosaic variegated aneuploidy syndrome 1. Last evaluated: 2024-04-08. Review status: criteria provided, single submitter. Criteria: Invitae Variant Classification Sherloc (09022015). Collection method: clinical testing. Allele origin: germline.
Comment: This sequence change replaces proline, which is neutral and non-polar, with histidine, which is basic and polar, at codon 135 of the BUB1B protein (p.Pro135His). This variant is not present in population databases (gnomAD no frequency). This variant has not been reported in the literature in individuals affected with BUB1B-related conditions. ClinVar contains an entry for this variant (Variation ID: 1737346). An algorithm developed to predict the effect of missense changes on protein structure and function (PolyPhen-2) suggests that this variant is likely to be disruptive. In summary, the available evidence is currently insufficient to determine the role of this variant in disease. Therefore, it has been classified as a Variant of Uncertain Significance.

Ambry Genetics
Classification: Uncertain significance for Inborn genetic diseases. Last evaluated: 2022-01-01. Review status: criteria provided, single submitter. Criteria: Ambry Variant Classification Scheme 2023. Collection method: clinical testing. Allele origin: germline.
Comment: The p.P135H variant (also known as c.404C>A), located in coding exon 5 of the BUB1B gene, results from a C to A substitution at nucleotide position 404. The proline at codon 135 is replaced by histidine, an amino acid with similar properties. This amino acid position is conserved. In addition, this alteration is predicted to be deleterious by in silico analysis. Since supporting evidence is limited at this time, the clinical significance of this alteration remains unclear.